The following is an entry in ClinVar:

ClinVar aggregate classification (germline): Uncertain significance (1 of 4 stars; one submission).

Conditions:
Inborn genetic diseases. Identifiers: MedGen C0950123, MeSH D030342.

Submission:

Ambry Genetics
Classification: Uncertain significance for Inborn genetic diseases. Last evaluated: 2025-02-22. Review status: criteria provided, single submitter. Criteria: Ambry Variant Classification Scheme 2023. Collection method: clinical testing. Allele origin: germline.
Comment: The p.A328V variant (also known as c.983C>T), located in coding exon 11 of the RTEL1 gene, results from a C to T substitution at nucleotide position 983. The alanine at codon 328 is replaced by valine, an amino acid with similar properties. This amino acid position is conserved. In addition, the in silico prediction for this alteration is inconclusive. Based on the available evidence, the clinical significance of this variant remains unclear.

NM_001283009.2(RTEL1):c.983C>T (p.Ala328Val)

Genes: RTEL1 (regulator of telomere elongation helicase 1; plus strand), RTEL1-TNFRSF6B (RTEL1-TNFRSF6B readthrough (NMD candidate); plus strand). Cytogenetic location: 20q13.33.
Variant type: single nucleotide variant.
Coding change: c.983C>T on transcript NM_001283009.2 (MANE Select); coding-DNA position 983, C replaced by T.
Protein change: p.Ala328Val; replaces alanine 328 with valine.
Molecular consequence: missense variant. On other transcripts: non-coding transcript variant (1).
Genome position (GRCh38, 1-based): chr20:63,678,292, C>T. VCF-style: chr20-63678292-C-T. GRCh37 (hg19) VCF-style: chr20-62309645-C-T.
Other names: c.314C>T, p.Ala105Val (NM_001283010.1); c.983C>T, p.Ala328Val (NM_016434.4); c.1055C>T, p.Ala352Val (NM_032957.5); short protein forms A105V, A328V, A352V.
Identifiers: ClinVar variation 3791178 (VCV003791178.1).